The following is an entry in ClinVar:

ClinVar aggregate classification (germline): Benign/Likely benign. Review status: criteria provided, multiple submitters, no conflicts (2 of 4 stars). 3 submissions from 3 submitters: Benign (1); Likely benign (2). Last evaluated 2024-10-31.

Conditions:
Multiple endocrine neoplasia, type 1 (MEN1). Also called: Endocrine adenomatosis multiple; MEN 1; MEA I; MEN I; WERMER SYNDROME. Identifiers: Orphanet 652, MedGen C0025267, MeSH D018761, MONDO:0007540, OMIM 131100.
Hereditary cancer-predisposing syndrome. Also called: Hereditary neoplastic syndrome; Neoplastic Syndromes, Hereditary; Tumor predisposition; Hereditary Cancer Syndrome. Identifiers: Orphanet 140162, MedGen C0027672, MeSH D009386, MONDO:0015356.

Submissions (3):

Myriad Genetics, Inc.
Classification: Benign for Multiple endocrine neoplasia, type 1. Last evaluated: 2024-10-31. Review status: criteria provided, single submitter. Criteria: Myriad Autosomal Dominant, Autosomal Recessive and X-Linked Classification Criteria (2023). Collection method: clinical testing. Allele origin: unknown.
Comment: This variant is considered benign. This variant is a silent/synonymous amino acid change and it is not expected to impact splicing.

Ambry Genetics
Classification: Likely benign for Hereditary cancer-predisposing syndrome. Last evaluated: 2024-06-08. Review status: criteria provided, single submitter. Criteria: Ambry Variant Classification Scheme 2023. Collection method: clinical testing. Allele origin: germline.

Labcorp Genetics (formerly Invitae), Labcorp
Classification: Likely benign for Multiple endocrine neoplasia, type 1. Last evaluated: 2022-09-25. Review status: criteria provided, single submitter. Criteria: Invitae Variant Classification Sherloc (09022015). Collection method: clinical testing. Allele origin: germline.

NM_001370259.2(MEN1):c.243C>T (p.Ala81=)

Gene: MEN1 (menin 1; minus strand). Cytogenetic location: 11q13.1.
Variant type: single nucleotide variant.
Coding change: c.243C>T on transcript NM_001370259.2 (MANE Select); coding-DNA position 243, C replaced by T.
Protein change: p.Ala81=; no amino-acid change (alanine 81 retained).
Molecular consequence: synonymous variant. On other transcripts: non-coding transcript variant (4).
Genome position (GRCh38, 1-based): chr11:64,809,867, G>A on the plus strand (C>T on the coding strand, the complement: MEN1 is on the minus strand). VCF-style: chr11-64809867-G-A. GRCh37 (hg19) VCF-style: chr11-64577339-G-A.
Other names: c.243C>T, p.Ala81= (NM_000244.4, NM_001370251.2, NM_001370260.2 and 20 more transcripts).
Identifiers: ClinVar variation 1980922 (VCV001980922.6), dbSNP rs1313339255, ClinGen allele CA475163762.